The following is an entry in ClinVar:

NM_001903.5(CTNNA1):c.1710G>A (p.Glu570=)

Gene: CTNNA1 (catenin alpha 1; plus strand). Cytogenetic location: 5q31.2.
Variant type: single nucleotide variant.
Coding change: c.1710G>A on transcript NM_001903.5 (MANE Select); coding-DNA position 1710, G replaced by A.
Protein change: p.Glu570=; no amino-acid change (glutamic acid 570 retained).
Molecular consequence: synonymous variant.
Genome position (GRCh38, 1-based): chr5:138,924,673, G>A. VCF-style: chr5-138924673-G-A. GRCh37 (hg19) VCF-style: chr5-138260362-G-A.
Other names: c.600G>A, p.Glu200= (NM_001323994.1, NM_001323995.1, NM_001323996.1 and 17 more transcripts); c.357G>A, p.Glu119= (NM_001324012.1, NM_001324013.1); c.261G>A, p.Glu87= (NM_001324006.1, NM_001324007.1, NM_001324008.1 and 2 more transcripts); c.507G>A, p.Glu169= (NM_001324011.1); c.1710G>A, p.Glu570= (NM_001290307.3, NM_001323982.2, NM_001323983.1 and 2 more transcripts); c.1401G>A, p.Glu467= (NM_001290309.3); c.1341G>A, p.Glu447= (NM_001290310.3); c.1617G>A, p.Glu539= (NM_001323986.2).
Identifiers: ClinVar variation 1158744 (VCV001158744.13), dbSNP rs1277311203, ClinGen allele CA446597091.

ClinVar aggregate classification (germline): Benign/Likely benign. Review status: criteria provided, multiple submitters, no conflicts (2 of 4 stars). 4 submissions from 4 submitters: Benign (1); Likely benign (3). Last evaluated 2025-11-11.

Conditions:
Hereditary cancer-predisposing syndrome. Also called: Neoplastic Syndromes, Hereditary; Hereditary Cancer Syndrome; Tumor predisposition; Hereditary neoplastic syndrome. Identifiers: Orphanet 140162, MedGen C0027672, MeSH D009386, MONDO:0015356.
Hereditary diffuse gastric adenocarcinoma (HDGC). Also called: DIFFUSE GASTRIC AND LOBULAR BREAST CANCER SYNDROME. Identifiers: Orphanet 26106, MedGen C1708349, MONDO:0007648, OMIM 137215.

Allele frequency attached by ClinVar (database versions not stated): gnomAD exomes below 0.00001 and 0.00002; TOPMed below 0.00001; gnomAD 0.00001.
gnomAD v4.1: 28 of 1,594,510 alleles (0.0018%); highest among the groups gnomAD compares: Non-Finnish European, 0.0022%; no homozygotes.

Submissions (4):

Labcorp Genetics (formerly Invitae), Labcorp
Classification: Likely benign. Last evaluated: 2025-11-11. Review status: criteria provided, single submitter. Criteria: Invitae Variant Classification Sherloc (09022015). Collection method: clinical testing. Allele origin: germline.

Myriad Genetics, Inc.
Classification: Benign for Hereditary diffuse gastric adenocarcinoma. Last evaluated: 2024-10-11. Review status: criteria provided, single submitter. Criteria: Myriad Autosomal Dominant, Autosomal Recessive and X-Linked Classification Criteria (2023). Collection method: clinical testing. Allele origin: unknown.
Comment: This variant is considered benign. This variant is a silent/synonymous amino acid change and it is not expected to impact splicing.

Blueprint Genetics
Classification: Likely benign. Last evaluated: 2022-02-24. Review status: criteria provided, single submitter. Criteria: ACMG Guidelines, 2015. Collection method: clinical testing. Allele origin: germline.

Ambry Genetics
Classification: Likely benign for Hereditary cancer-predisposing syndrome. Last evaluated: 2021-01-22. Review status: criteria provided, single submitter. Criteria: Ambry Variant Classification Scheme 2023. Collection method: clinical testing. Allele origin: germline.